The following is an entry in ClinVar:

NM_004370.6(COL12A1):c.1412A>C (p.Glu471Ala)

Gene: COL12A1 (collagen type XII alpha 1 chain; minus strand). Cytogenetic location: 6q13.
Variant type: single nucleotide variant.
Coding change: c.1412A>C on transcript NM_004370.6 (MANE Select); coding-DNA position 1412, A replaced by C.
Protein change: p.Glu471Ala; replaces glutamic acid 471 with alanine.
Molecular consequence: missense variant. On other transcripts: intron variant (2).
Genome position (GRCh38, 1-based): chr6:75,183,529, T>G on the plus strand (A>C on the coding strand, the complement: COL12A1 is on the minus strand). VCF-style: chr6-75183529-T-G. GRCh37 (hg19) VCF-style: chr6-75893245-T-G.
Other names: c.1412A>C, p.Glu471Ala (NM_001424113.1, NM_001424114.1, NM_001424115.1); c.73+19191A>C (NM_001424116.1, NM_080645.3); short protein forms E471A.
Identifiers: ClinVar variation 3761651 (VCV003761651.2).

ClinVar aggregate classification (germline): Uncertain significance (1 of 4 stars; one submission).

Conditions:
Ullrich congenital muscular dystrophy 2 (UCMD2). Identifiers: Orphanet 75840, MedGen C4225314, MONDO:0014654, OMIM 616470.
Bethlem myopathy 2 (BTHLM2). Identifiers: Orphanet 536516, Orphanet 610, MedGen C4225313, MONDO:0034022, OMIM 616471.

gnomAD v4.1: 1 of 1,614,160 alleles (0.000062%); no homozygotes.

Submission:

Labcorp Genetics (formerly Invitae), Labcorp
Classification: Uncertain significance for Bethlem myopathy 2; Ullrich congenital muscular dystrophy 2. Last evaluated: 2024-03-08. Review status: criteria provided, single submitter. Criteria: Invitae Variant Classification Sherloc (09022015). Collection method: clinical testing. Allele origin: germline.
Comment: This sequence change replaces glutamic acid, which is acidic and polar, with alanine, which is neutral and non-polar, at codon 471 of the COL12A1 protein (p.Glu471Ala). This variant is not present in population databases (gnomAD no frequency). This variant has not been reported in the literature in individuals affected with COL12A1-related conditions. Advanced modeling of protein sequence and biophysical properties (such as structural, functional, and spatial information, amino acid conservation, physicochemical variation, residue mobility, and thermodynamic stability) performed at Invitae indicates that this missense variant is not expected to disrupt COL12A1 protein function with a negative predictive value of 80%. In summary, the available evidence is currently insufficient to determine the role of this variant in disease. Therefore, it has been classified as a Variant of Uncertain Significance.